The following is an entry in ClinVar:

ClinVar aggregate classification (germline): Uncertain significance (1 of 4 stars; one submission).

Allele frequency attached by ClinVar (database versions not stated): gnomAD exomes 0.00001.
gnomAD v4.1: 3 of 1,612,704 alleles (0.00019%); highest among the groups gnomAD compares: Admixed American, 0.0033%; no homozygotes.

Submission:

GeneDx
Classification: Uncertain significance. Last evaluated: 2023-03-22. Review status: criteria provided, single submitter. Criteria: GeneDx Variant Classification Process June 2021. Collection method: clinical testing. Allele origin: germline. Affected: yes.
Comment: Canonical splice site variant predicted to result in a null allele in a gene for which loss of function is a known mechanism of disease; Has not been previously published as pathogenic or benign to our knowledge

NM_001242896.3(DEPDC5):c.2006+2T>G

Gene: DEPDC5 (DEP domain containing 5, GATOR1 subcomplex subunit; plus strand). Cytogenetic location: 22q12.3.
Variant type: single nucleotide variant.
Coding change: c.2006+2T>G on transcript NM_001242896.3 (MANE Select); the canonical splice donor site of the intron after coding-DNA position 2006, T replaced by G.
Molecular consequence: splice donor variant. On other transcripts: intron variant (3).
Genome position (GRCh38, 1-based): chr22:31,821,639, T>G. VCF-style: chr22-31821639-T-G. GRCh37 (hg19) VCF-style: chr22-32217625-T-G.
Other names: c.2006+2T>G (NM_001364318.2, NM_001136029.4, NM_014662.6 and 3 more transcripts); c.1870+2414T>G (NM_001363854.2, NM_001242897.2, NM_001364319.2); c.1922+2T>G (NM_001369902.1, NM_001369901.1).
Identifiers: ClinVar variation 2580420 (VCV002580420.1), dbSNP rs1002365621, ClinGen allele CA323321990.
Genomic context (GRCh38, chr22:31,821,639, plus strand): 5'-GATCCAACTCACTCCTCTGCAGAGCTGCTGGAGTTAGCATATCATGAAGCTGCTGGAAGG[T>G]GAGGATGTGCACAGGGCTCTGGAAGGTAACCTGAGAACACTCTCCAGCACCCAGGACAAT-3'